The following is an entry in ClinVar:

NM_145045.5(ODAD3):c.722G>A (p.Ser241Asn)

Gene: ODAD3 (outer dynein arm docking complex subunit 3; minus strand). Cytogenetic location: 19p13.2.
Variant type: single nucleotide variant.
Coding change: c.722G>A on transcript NM_145045.5 (MANE Select); coding-DNA position 722, G replaced by A.
Protein change: p.Ser241Asn; replaces serine 241 with asparagine.
Molecular consequence: missense variant.
Genome position (GRCh38, 1-based): chr19:11,426,564, C>T on the plus strand (G>A on the coding strand, the complement: ODAD3 is on the minus strand). VCF-style: chr19-11426564-C-T. GRCh37 (hg19) VCF-style: chr19-11537384-C-T.
Other names: c.560G>A, p.Ser187Asn (NM_001302453.1); c.542G>A, p.Ser181Asn (NM_001302454.2); short protein forms S181N, S187N, S241N.
Identifiers: ClinVar variation 4803990 (VCV004803990.1).

ClinVar aggregate classification (germline): Uncertain significance (1 of 4 stars; one submission).

Conditions:
Primary ciliary dyskinesia 30. Also called: CILIARY DYSKINESIA, PRIMARY, 30, WITH OR WITHOUT SITUS INVERSUS. Identifiers: Orphanet 244, MedGen C4015016, MONDO:0014465, OMIM 616037.

Submission:

Labcorp Genetics (formerly Invitae), Labcorp
Classification: Uncertain significance for Primary ciliary dyskinesia 30. Last evaluated: 2025-10-27. Review status: criteria provided, single submitter. Criteria: Invitae Variant Classification Sherloc (09022015). Collection method: clinical testing. Allele origin: germline.
Comment: This sequence change replaces serine, which is neutral and polar, with asparagine, which is neutral and polar, at codon 241 of the CCDC151 protein (p.Ser241Asn). This variant is not present in population databases (gnomAD no frequency). This variant has not been reported in the literature in individuals affected with CCDC151-related conditions. An algorithm developed to predict the effect of missense changes on protein structure and function (PolyPhen-2) suggests that this variant is likely to be disruptive. In summary, the available evidence is currently insufficient to determine the role of this variant in disease. Therefore, it has been classified as a Variant of Uncertain Significance.